The following is an entry in ClinVar:

ClinVar aggregate classification (germline): Uncertain significance (1 of 4 stars; one submission).

Conditions:
Atrial standstill 1 (ATRST1). Also called: ATRIAL CARDIOMYOPATHY WITH HEART BLOCK; CARDIOMYOPATHY, FAMILIAL, WITH CONDUCTION DISTURBANCE; Atrial standstill, digenic (GJA5/SCN5A). Identifiers: Orphanet 1344, MedGen C4551959, MONDO:0007171, OMIM 108770.
Atrial fibrillation, familial, 11 (ATFB11). Identifiers: MedGen C3279693, MONDO:0013544, OMIM 614049.

Allele frequency attached by ClinVar (database versions not stated): gnomAD 0.00001; ESP Exome Variant Server 0.00008.
gnomAD v4.1: 1 of 1,610,294 alleles (0.000062%); highest among the groups gnomAD compares: African/African-American, 0.0013%; no homozygotes.

Submission:

Labcorp Genetics (formerly Invitae), Labcorp
Classification: Uncertain significance for Atrial fibrillation, familial, 11; Atrial standstill 1. Last evaluated: 2023-09-15. Review status: criteria provided, single submitter. Criteria: Invitae Variant Classification Sherloc (09022015). Collection method: clinical testing. Allele origin: germline.
Comment: This variant occurs in a non-coding region of the GJA5 gene. It does not change the encoded amino acid sequence of the GJA5 protein. In summary, the available evidence is currently insufficient to determine the role of this variant in disease. Therefore, it has been classified as a Variant of Uncertain Significance. Experimental studies and prediction algorithms are not available or were not evaluated, and the functional significance of this variant is currently unknown. This variant has not been reported in the literature in individuals affected with GJA5-related conditions. This variant is not present in population databases (gnomAD no frequency).

NM_181703.4(GJA5):c.1065C>A (p.Asp355Glu)

Gene: GJA5 (gap junction protein alpha 5; minus strand). Cytogenetic location: 1q21.2.
Variant type: single nucleotide variant.
Coding change: c.1065C>A on transcript NM_181703.4 (MANE Select); coding-DNA position 1065, C replaced by A.
Protein change: p.Asp355Glu; replaces aspartic acid 355 with glutamic acid.
Molecular consequence: missense variant.
Genome position (GRCh38, 1-based): chr1:147,758,174, G>T on the plus strand (C>A on the coding strand, the complement: GJA5 is on the minus strand). VCF-style: chr1-147758174-G-T. GRCh37 (hg19) VCF-style: chr1-147230282-G-T.
Other names: c.1065C>A, p.Asp355Glu (NM_005266.7); short protein forms D355E.
Identifiers: ClinVar variation 2944669 (VCV002944669.3), dbSNP rs201657244, ClinGen allele CA30068234.